The following is an entry in ClinVar:

NM_001282531.3(ADNP):c.3017C>G (p.Ala1006Gly)

Gene: ADNP (activity dependent neuroprotector homeobox; minus strand). Cytogenetic location: 20q13.13.
Variant type: single nucleotide variant.
Coding change: c.3017C>G on transcript NM_001282531.3 (MANE Select); coding-DNA position 3017, C replaced by G.
Protein change: p.Ala1006Gly; replaces alanine 1006 with glycine.
Molecular consequence: missense variant.
Genome position (GRCh38, 1-based): chr20:50,891,697, G>C on the plus strand (C>G on the coding strand, the complement: ADNP is on the minus strand). VCF-style: chr20-50891697-G-C. GRCh37 (hg19) VCF-style: chr20-49508234-G-C.
Other names: c.3017C>G, p.Ala1006Gly (NM_001282532.2, NM_001347511.2, NM_015339.5 and 1 more transcripts); short protein forms A1006G.
Identifiers: ClinVar variation 2757801 (VCV002757801.3), dbSNP rs762039872, ClinGen allele CA9908467.

ClinVar aggregate classification (germline): Uncertain significance (1 of 4 stars; one submission).

Allele frequency attached by ClinVar (database versions not stated): ExAC 0.00001; TOPMed 0.00002.
gnomAD v4.1: 45 of 1,613,950 alleles (0.0028%); highest among the groups gnomAD compares: Non-Finnish European, 0.0033%; no homozygotes.

Submission:

Labcorp Genetics (formerly Invitae), Labcorp
Classification: Uncertain significance. Last evaluated: 2023-12-21. Review status: criteria provided, single submitter. Criteria: Invitae Variant Classification Sherloc (09022015). Collection method: clinical testing. Allele origin: germline.
Comment: This sequence change replaces alanine, which is neutral and non-polar, with glycine, which is neutral and non-polar, at codon 1006 of the ADNP protein (p.Ala1006Gly). This variant is present in population databases (rs762039872, gnomAD 0.003%). This variant has not been reported in the literature in individuals affected with ADNP-related conditions. An algorithm developed to predict the effect of missense changes on protein structure and function (PolyPhen-2) suggests that this variant is likely to be tolerated. In summary, the available evidence is currently insufficient to determine the role of this variant in disease. Therefore, it has been classified as a Variant of Uncertain Significance.